The following is an entry in ClinVar:

NM_000090.4(COL3A1):c.2533C>A (p.Pro845Thr)

Gene: COL3A1 (collagen type III alpha 1 chain; plus strand). Cytogenetic location: 2q32.2.
Variant type: single nucleotide variant.
Coding change: c.2533C>A on transcript NM_000090.4 (MANE Select); coding-DNA position 2533, C replaced by A.
Protein change: p.Pro845Thr; replaces proline 845 with threonine.
Molecular consequence: missense variant.
Genome position (GRCh38, 1-based): chr2:189,003,042, C>A. VCF-style: chr2-189003042-C-A. GRCh37 (hg19) VCF-style: chr2-189867768-C-A.
Other names: short protein forms P845T.
Identifiers: ClinVar variation 3073438 (VCV003073438.1), dbSNP rs2469150803, ClinGen allele CA349842871.

ClinVar aggregate classification (germline): Uncertain significance (1 of 4 stars; one submission).

Conditions:
Ehlers-Danlos syndrome, type 4 (EDSVASC). Also called: Ehlers-Danlos Syndrome Type IV; Ehlers-Danlos syndrome vascular type; Ehlers Danlos syndrome, ecchymotic type; Ehlers Danlos syndrome, arterial type; Ehlers Danlos syndrome, Sack-Barabas type. Identifiers: Orphanet 286, MedGen C0268338, MONDO:0017314, OMIM 130050.

Submission:

All of Us Research Program, National Institutes of Health
Classification: Uncertain significance for Ehlers-Danlos syndrome, type 4. Last evaluated: 2023-09-17. Review status: criteria provided, single submitter. Criteria: ACMG Guidelines, 2015. Collection method: clinical testing. Allele origin: germline. Inheritance: Autosomal dominant inheritance. Observed: 1 variant allele, 1 heterozygote.
Comment: This missense variant replaces proline with threonine at codon 845 of the COL3A1 protein. Computational prediction suggests that this variant may not impact protein structure and function (internally defined REVEL score threshold <= 0.5, PMID: 27666373). To our knowledge, functional studies have not been reported for this variant. This variant has not been reported in individuals affected with COL3A1-related disorders in the literature. This variant has not been identified in the general population by the Genome Aggregation Database (gnomAD). The available evidence is insufficient to determine the role of this variant in disease conclusively. Therefore, this variant is classified as a Variant of Uncertain Significance.

This study involves interpretation of variants in research participants for the purpose of population health screening. Participant phenotype was not available at the time of variant classification. Additional details can be found in publication PMID: 35346344, PMCID: PMC8962531